The following is an entry in ClinVar:

ClinVar aggregate classification (germline): Conflicting classifications of pathogenicity. Review status: criteria provided, conflicting classifications (1 of 4 stars). 6 submissions from 6 submitters: Uncertain significance (1); Likely benign (4). 1 of the submissions does not count toward it. Last evaluated 2025-12-17.

Conditions:
OTOGL-related disorder. Also called: OTOGL-related condition.

Allele frequency attached by ClinVar (database versions not stated): gnomAD exomes 0.00027; ExAC 0.00033; 1000 Genomes Project 30x 0.00078; 1000 Genomes Project 0.00080; ESP Exome Variant Server 0.00093; gnomAD 0.00094 and 0.00101; TOPMed 0.00113.
gnomAD v4.1: 249 of 1,598,186 alleles (0.016%); highest among the groups gnomAD compares: African/African-American, 0.25%; 2 homozygotes.

Submissions (6):

Labcorp Genetics (formerly Invitae), Labcorp
Classification: Likely benign. Last evaluated: 2025-12-17. Review status: criteria provided, single submitter. Criteria: Invitae Variant Classification Sherloc (09022015). Collection method: clinical testing. Allele origin: germline.

PreventionGenetics, part of Exact Sciences
Classification: Likely benign for OTOGL-related condition. Last evaluated: 2025-03-17. Review status: criteria provided, single submitter. Criteria: ACMG Guidelines, 2015. Collection method: clinical testing. Allele origin: germline.
Comment: This variant is classified as likely benign based on ACMG/AMP sequence variant interpretation guidelines (Richards et al. 2015 PMID: 25741868, with internal and published modifications).

Blueprint Genetics
Classification: Likely benign. Last evaluated: 2024-10-08. Review status: criteria provided, single submitter. Criteria: ACMG Guidelines, 2015. Collection method: clinical testing. Allele origin: germline.

GeneDx
Classification: Uncertain significance. Last evaluated: 2020-11-18. Review status: criteria provided, single submitter. Criteria: GeneDx Variant Classification Process June 2021. Collection method: clinical testing. Allele origin: germline. Affected: yes.
Comment: Reported as heterozygous in a patient with neonatal onset encephalopathy, brain atrophy with cerebellar malformation, and later-onset seizures who was also heterozygous for the Q1216H variant; however, this patient harbored a homozygous nonsense variant in the TBCK gene which the authors concluded was likely the causative variant (Chong et al., 2016); In silico analysis, which includes protein predictors and evolutionary conservation, supports a deleterious effect; This variant is associated with the following publications: (PMID: 27040692)

Laboratory for Molecular Medicine, Mass General Brigham Personalized Medicine
Classification: Likely benign. Last evaluated: 2017-07-13. Review status: criteria provided, single submitter. Criteria: LMM Criteria. Collection method: clinical testing. Allele origin: germline. Observed: 2 variant alleles.
Comment: p.Gln596His in exon 17 of OTOGL: This variant is not expected to have clinical s ignificance because it has been identified in 0.3% (79/23656) of African chromos omes, including 2 homozygotes individual by the Genome Aggregation Database (gno mAD; dbSNP rs192234924).

Department of Pathology and Laboratory Medicine, Sinai Health System
Classification: Benign. Review status: no assertion criteria provided. Collection method: clinical testing. Allele origin: unknown. Affected: yes. Study: The Canadian Open Genetics Repository (COGR). Not counted in ClinVar's aggregate classification.
Comment: The OTOGL p.Gln596His variant was identified in dbSNP (ID: rs192234924) and ClinVar (classified as likely benign by Invitae and Laboratory for Molecular Medicine) but was not identified in LOVD 3.0. The variant was identified in the literature in a family with TBCK-associated infantile syndromic encephalopathy; the OTOGL variant was not expected to contribute to the phenotype (Chong_2016_PMID:27040692). The variant was identified in control databases in 92 of 264632 chromosomes (2 homozygous) at a frequency of 0.0003477 (Genome Aggregation Database March 6, 2019, v2.1.1). The variant was observed in the following populations: African in 78 of 23824 chromosomes (freq: 0.003274) and Latino in 14 of 34894 chromosomes (freq: 0.000401), but was not observed in the Ashkenazi Jewish, East Asian, European (Finnish), European (non-Finnish), Other, or South Asian populations. The p.Gln596 residue is conserved in mammals and computational analyses (SIFT, AlignGVGD, BLOSUM, MutationTaster) provide inconsistent predictions regarding the impact to the protein; this information is not very predictive of pathogenicity. The variant occurs outside of the splicing consensus sequence and 2 of 4 in silico or computational prediction software programs (SpliceSiteFinder, MaxEntScan, NNSPLICE, GeneSplicer) predict a greater than 10% difference in splicing; this is not very predictive of pathogenicity. In summary, based on the above information this variant meets our laboratory's criteria to be classified as benign.

NM_001378609.3(OTOGL):c.1815G>T (p.Gln605His)

Gene: OTOGL (otogelin like; plus strand). Cytogenetic location: 12q21.31.
Variant type: single nucleotide variant.
Coding change: c.1815G>T on transcript NM_001378609.3 (MANE Select); coding-DNA position 1815, G replaced by T.
Protein change: p.Gln605His; replaces glutamine 605 with histidine.
Molecular consequence: missense variant.
Genome position (GRCh38, 1-based): chr12:80,257,928, G>T. VCF-style: chr12-80257928-G-T. GRCh37 (hg19) VCF-style: chr12-80651708-G-T.
Other names: c.1815G>T, p.Gln605His (NM_001368062.3, NM_001378610.3, NM_173591.7); short protein forms Q596H, Q605H.
Identifiers: ClinVar variation 227812 (VCV000227812.20), dbSNP rs192234924, ClinGen allele CA6700577.
Genomic context (GRCh38, chr12:80,257,928, plus strand): 5'-AAAAACCACATTTGGTTTAAAGATTCTGTTTGCTATAGATGGGGAAAGAATTTATATTCA[G>T]CTTACTAGCGCATGGAAAAGAAGAACATTAGGTCTGTGTGGCACTTTTAATGGCAACATA-3'
Protein context (NP_001365538.2, residues 595-615): FAIDGERIYI[Gln605His]LTSAWKRRTL